The following is an entry in ClinVar:

NM_000321.3(RB1):c.1370T>C (p.Met457Thr)

Gene: RB1 (RB transcriptional corepressor 1; plus strand). Cytogenetic location: 13q14.2.
Variant type: single nucleotide variant.
Coding change: c.1370T>C on transcript NM_000321.3 (MANE Select); coding-DNA position 1370, T replaced by C.
Protein change: p.Met457Thr; replaces methionine 457 with threonine.
Molecular consequence: missense variant.
Genome position (GRCh38, 1-based): chr13:48,379,631, T>C. VCF-style: chr13-48379631-T-C. GRCh37 (hg19) VCF-style: chr13-48953767-T-C.
Other names: c.1370T>C, p.Met457Thr (NM_001407165.1, NM_001407166.1); short protein forms M457T.
Identifiers: ClinVar variation 3004904 (VCV003004904.5), dbSNP rs2542202947, ClinGen allele CA388162609.

ClinVar aggregate classification (germline): Uncertain significance. Review status: criteria provided, multiple submitters, no conflicts (2 of 4 stars). 2 submissions from 2 submitters: Uncertain significance (2). Last evaluated 2025-04-02.

Conditions:
Hereditary cancer-predisposing syndrome. Also called: Hereditary Cancer Syndrome; Neoplastic Syndromes, Hereditary; Tumor predisposition; Hereditary neoplastic syndrome. Identifiers: Orphanet 140162, MedGen C0027672, MeSH D009386, MONDO:0015356.
Retinoblastoma (RB1). Also called: RETINOBLASTOMA, SOMATIC. Identifiers: Orphanet 790, MedGen C0035335, MeSH D012175, MONDO:0008380, OMIM 180200, HP:0009919. Disease mechanism: loss of function. Inheritance: Both sporadic and heritable forms are tested..

Allele frequency attached by ClinVar (database versions not stated): gnomAD exomes 0.00001.
gnomAD v4.1: 10 of 1,612,416 alleles (0.00062%); highest among the groups gnomAD compares: Non-Finnish European, 0.00085%; no homozygotes.

Submissions (2):

Labcorp Genetics (formerly Invitae), Labcorp
Classification: Uncertain significance for Retinoblastoma. Last evaluated: 2025-04-02. Review status: criteria provided, single submitter. Criteria: Invitae Variant Classification Sherloc (09022015). Collection method: clinical testing. Allele origin: germline.
Comment: This sequence change replaces methionine, which is neutral and non-polar, with threonine, which is neutral and polar, at codon 457 of the RB1 protein (p.Met457Thr). This variant is not present in population databases (gnomAD no frequency). This variant has not been reported in the literature in individuals affected with RB1-related conditions. ClinVar contains an entry for this variant (Variation ID: 3004904). Invitae Evidence Modeling of protein sequence and biophysical properties (such as structural, functional, and spatial information, amino acid conservation, physicochemical variation, residue mobility, and thermodynamic stability) indicates that this missense variant is expected to disrupt RB1 protein function with a positive predictive value of 80%. In summary, the available evidence is currently insufficient to determine the role of this variant in disease. Therefore, it has been classified as a Variant of Uncertain Significance.

Ambry Genetics
Classification: Uncertain significance for Hereditary cancer-predisposing syndrome. Last evaluated: 2025-01-17. Review status: criteria provided, single submitter. Criteria: Ambry Variant Classification Scheme 2023. Collection method: clinical testing. Allele origin: germline.